The following is an entry in ClinVar:

NM_198578.4(LRRK2):c.2311G>T (p.Val771Leu)

Gene: LRRK2 (leucine rich repeat kinase 2; plus strand). Cytogenetic location: 12q12.
Variant type: single nucleotide variant.
Coding change: c.2311G>T on transcript NM_198578.4 (MANE Select); coding-DNA position 2311, G replaced by T.
Protein change: p.Val771Leu; replaces valine 771 with leucine.
Molecular consequence: missense variant.
Genome position (GRCh38, 1-based): chr12:40,283,944, G>T. VCF-style: chr12-40283944-G-T. GRCh37 (hg19) VCF-style: chr12-40677746-G-T.
Other names: short protein forms V771L.
Identifiers: ClinVar variation 3665150 (VCV003665150.2).

ClinVar aggregate classification (germline): Uncertain significance (1 of 4 stars; one submission).

Conditions:
Autosomal dominant Parkinson disease 8. Also called: Parkinson disease 8, susceptibility to; LRRK2-Related Parkinson Disease; Parkinson disease 8. Identifiers: Orphanet 411602, MedGen C1846862, MONDO:0011764, OMIM 607060.

gnomAD v4.1: 38 of 1,613,852 alleles (0.0024%); highest among the groups gnomAD compares: South Asian, 0.04%; no homozygotes.

Submission:

Labcorp Genetics (formerly Invitae), Labcorp
Classification: Uncertain significance for Autosomal dominant Parkinson disease 8. Last evaluated: 2024-12-04. Review status: criteria provided, single submitter. Criteria: Invitae Variant Classification Sherloc (09022015). Collection method: clinical testing. Allele origin: germline.
Comment: This sequence change replaces valine, which is neutral and non-polar, with leucine, which is neutral and non-polar, at codon 771 of the LRRK2 protein (p.Val771Leu). This variant is present in population databases (rs371316424, gnomAD 0.04%). This variant has not been reported in the literature in individuals affected with LRRK2-related conditions. Invitae Evidence Modeling of protein sequence and biophysical properties (such as structural, functional, and spatial information, amino acid conservation, physicochemical variation, residue mobility, and thermodynamic stability) has been performed for this missense variant. However, the output from this modeling did not meet the statistical confidence thresholds required to predict the impact of this variant on LRRK2 protein function. In summary, the available evidence is currently insufficient to determine the role of this variant in disease. Therefore, it has been classified as a Variant of Uncertain Significance.